The following is an entry in ClinVar:

NM_004855.5(PIGB):c.812T>A (p.Leu271Ter)

Gene: PIGB (phosphatidylinositol glycan anchor biosynthesis class B; plus strand). Cytogenetic location: 15q21.3.
Variant type: single nucleotide variant.
Coding change: c.812T>A on transcript NM_004855.5 (MANE Select); coding-DNA position 812, T replaced by A.
Protein change: p.Leu271Ter; replaces leucine 271 with a stop codon.
Molecular consequence: nonsense.
Genome position (GRCh38, 1-based): chr15:55,339,284, T>A. VCF-style: chr15-55339284-T-A. GRCh37 (hg19) VCF-style: chr15-55631482-T-A.
Other names: short protein forms L271*.
Identifiers: ClinVar variation 2992843 (VCV002992843.3), dbSNP rs1357427054, ClinGen allele CA392542656.
Genomic context (GRCh38, chr15:55,339,284, plus strand): 5'-GCAAGCTCCAAATGTGAATCACTATGCTATTTTTGTTTTTCAGCTTTGTTACTTTGAGTT[T>A]GTCTCTGATGATTGATCGTATTTTTTTTGGCCAAGTAAGTAAAAGTATATTAAGCTAACA-3'

ClinVar aggregate classification (germline): Pathogenic (1 of 4 stars; one submission).

Allele frequency attached by ClinVar (database versions not stated): gnomAD exomes below 0.00001.
gnomAD v4.1: 1 of 1,552,910 alleles (0.000064%); highest among the groups gnomAD compares: Admixed American, 0.002%; no homozygotes.

Submission:

Labcorp Genetics (formerly Invitae), Labcorp
Classification: Pathogenic. Last evaluated: 2023-06-24. Review status: criteria provided, single submitter. Criteria: Invitae Variant Classification Sherloc (09022015). Collection method: clinical testing. Allele origin: germline.
Comment: For these reasons, this variant has been classified as Pathogenic. Algorithms developed to predict the effect of sequence changes on RNA splicing suggest that this variant may disrupt the consensus splice site. This variant has not been reported in the literature in individuals affected with PIGB-related conditions. This variant is present in population databases (no rsID available, gnomAD 0.004%). This sequence change creates a premature translational stop signal (p.Leu271*) in the PIGB gene. It is expected to result in an absent or disrupted protein product. Loss-of-function variants in PIGB are known to be pathogenic (PMID: 31256876, 34400385).

Literature cited by the submitters: PubMed 31256876; PubMed 34400385.